The following is an entry in ClinVar:

NC_000007.13:g.(?_44268375)_(44365020_?)dup

Gene: CAMK2B (calcium/calmodulin dependent protein kinase II beta; minus strand). Cytogenetic location: 7p13.
Variant type: Duplication.
Identifiers: ClinVar variation 3245868 (VCV003245868.1).

ClinVar aggregate classification (germline): Uncertain significance (1 of 4 stars; one submission).

Submission:

Labcorp Genetics (formerly Invitae), Labcorp
Classification: Uncertain significance. Last evaluated: 2023-09-10. Review status: criteria provided, single submitter. Criteria: Invitae Variant Classification Sherloc (09022015). Collection method: clinical testing. Allele origin: unknown.
Comment: In summary, the available evidence is currently insufficient to determine the role of this variant in disease. Therefore, it has been classified as a Variant of Uncertain Significance. This variant has not been reported in the literature in individuals affected with CAMK2B-related conditions. This variant results in a copy number gain of the genomic region encompassing exon(s) 1-19 of the CAMK2B gene. This region includes the initiator codon of the gene. This copy number gain extends beyond the assayed region for this gene and therefore may encompass additional genes. As the precise location of this event is unknown, it may be in tandem or it may be located elsewhere in the genome.